The following is an entry in ClinVar:

NM_003321.5(TUFM):c.1016G>A (p.Arg339Gln)

Gene: TUFM (Tu translation elongation factor, mitochondrial; minus strand). Cytogenetic location: 16p11.2.
Variant type: single nucleotide variant.
Coding change: c.1016G>A on transcript NM_003321.5 (MANE Select); coding-DNA position 1016, G replaced by A.
Protein change: p.Arg339Gln; replaces arginine 339 with glutamine.
Molecular consequence: missense variant.
Genome position (GRCh38, 1-based): chr16:28,844,008, C>T on the plus strand (G>A on the coding strand, the complement: TUFM is on the minus strand). VCF-style: chr16-28844008-C-T. GRCh37 (hg19) VCF-style: chr16-28855329-C-T.
Other names: c.932G>A, p.Arg311Gln (NM_001365360.2); short protein forms R339Q, R311Q.
Identifiers: ClinVar variation 7275 (VCV000007275.9), dbSNP rs121434452, ClinGen allele CA118650.

ClinVar aggregate classification (germline): Uncertain significance. Review status: criteria provided, single submitter (1 of 4 stars). 3 submissions from 3 submitters: Uncertain significance (1). 2 of the submissions do not count toward it. Last evaluated 2025-01-06.

Conditions:
Combined oxidative phosphorylation defect type 4. Identifiers: Orphanet 254925, MedGen C1857682, MONDO:0012534, OMIM 610678.

Allele frequency attached by ClinVar (database versions not stated): TOPMed below 0.00001; gnomAD 0.00001.

Submissions (3):

Labcorp Genetics (formerly Invitae), Labcorp
Classification: Uncertain significance. Last evaluated: 2025-01-06. Review status: criteria provided, single submitter. Criteria: Invitae Variant Classification Sherloc (09022015). Collection method: clinical testing. Allele origin: germline.
Comment: This sequence change replaces arginine, which is basic and polar, with glutamine, which is neutral and polar, at codon 339 of the TUFM protein (p.Arg339Gln). This variant is not present in population databases (gnomAD no frequency). This missense change has been observed in individuals with clinical features of combined oxidative phosphorylation deficiency (PMID: 17160893, 38630895). This variant is also known as R336Q. ClinVar contains an entry for this variant (Variation ID: 7275). Invitae Evidence Modeling of protein sequence and biophysical properties (such as structural, functional, and spatial information, amino acid conservation, physicochemical variation, residue mobility, and thermodynamic stability) indicates that this missense variant is expected to disrupt TUFM protein function with a positive predictive value of 80%. Experimental studies have shown that this missense change affects TUFM function (PMID: 17160893, 19524667, 20435138). In summary, the available evidence is currently insufficient to determine the role of this variant in disease. Therefore, it has been classified as a Variant of Uncertain Significance.

Medical Genetics Department, Antalya Training and Research Hospital
Classification: Pathogenic for Combined oxidative phosphorylation defect type 4. Last evaluated: 2025-05-05. Review status: no assertion criteria provided. Collection method: clinical testing. Allele origin: biparental. Inheritance: Autosomal recessive inheritance. Affected: yes. Observed: 1 homozygote. Not counted in ClinVar's aggregate classification.
Comment: Homozygous Arg339Gln missense variant has been reported in individuals with combined oxidative phosphorylation deficiency (Valente 2007, Kose 2021, Gokalp 2024) and the variant is not present in population databases (gnomAD no frequency). Experimental studies have shown that this missense change affects EFTu protein function and severely reduces mitochondrial translation (Valente 2007, Valente 2009, Akama 2010). In summary, the Arg339Gln variant meets the criteria to be classifed as pathogenic based upon clinical findings, absence from controls, and functional evidence.

OMIM
Classification: Pathogenic for COMBINED OXIDATIVE PHOSPHORYLATION DEFICIENCY 4. Last evaluated: 2007-01-01. Review status: no assertion criteria provided. Collection method: literature only. Allele origin: germline. Not counted in ClinVar's aggregate classification.

Literature cited by the submitters: PubMed 17160893 (cited by 3 submitters); PubMed 38630895 (cited by Labcorp Genetics (formerly Invitae), Labcorp and Medical Genetics Department, Antalya Training and Research Hospital); PubMed 19524667 (cited by Labcorp Genetics (formerly Invitae), Labcorp and Medical Genetics Department, Antalya Training and Research Hospital); PubMed 20435138 (cited by Labcorp Genetics (formerly Invitae), Labcorp and Medical Genetics Department, Antalya Training and Research Hospital); PubMed 33629572 (cited by Medical Genetics Department, Antalya Training and Research Hospital).